The following is an entry in ClinVar:

NM_001009944.3(PKD1):c.6169G>T (p.Val2057Phe)

Gene: PKD1 (polycystin 1, transient receptor potential channel interacting; minus strand). Cytogenetic location: 16p13.3.
Variant type: single nucleotide variant.
Coding change: c.6169G>T on transcript NM_001009944.3 (MANE Select); coding-DNA position 6169, G replaced by T.
Protein change: p.Val2057Phe; replaces valine 2057 with phenylalanine.
Molecular consequence: missense variant.
Genome position (GRCh38, 1-based): chr16:2,108,998, C>A on the plus strand (G>T on the coding strand, the complement: PKD1 is on the minus strand). VCF-style: chr16-2108998-C-A. GRCh37 (hg19) VCF-style: chr16-2158999-C-A.
Other names: c.6169G>T, p.Val2057Phe (NM_000296.4); short protein forms V2057F.
Identifiers: ClinVar variation 4887927 (VCV004887927.2).

ClinVar aggregate classification (germline): Uncertain significance. Review status: criteria provided, multiple submitters, no conflicts (2 of 4 stars). 2 submissions from 2 submitters: Uncertain significance (2). Last evaluated 2026-04-01.

Conditions:
PKD1-related disorder. Also called: PKD1-related condition.

Submissions (2):

PreventionGenetics, part of Exact Sciences
Classification: Uncertain significance for PKD1-related condition. Last evaluated: 2026-04-01. Review status: criteria provided, single submitter. Criteria: ACMG Guidelines, 2015. Collection method: clinical testing. Allele origin: germline.
Comment: The PKD1 c.6169G>T variant is predicted to result in the amino acid substitution p.Val2057Phe. This variant was reported in an individual with autosomal dominant polycystic kidney disease (ADPKD) (Supplementary Table 4, Mochizuki et al. 2019. PubMed ID: 30989420). This variant has not been reported in a large population database (gnomAD), indicating this variant is rare. Although we suspect that this variant may be pathogenic, at this time, the clinical significance of this variant is uncertain due to the absence of conclusive functional and genetic evidence.

GeneDx
Classification: Uncertain significance. Last evaluated: 2026-02-04. Review status: criteria provided, single submitter. Criteria: GeneDx Variant Classification Process June 2021. Collection method: clinical testing. Allele origin: germline.
Comment: Not observed at significant frequency in large population cohorts (gnomAD); In silico analysis supports that this missense variant has a deleterious effect on protein structure/function; This variant is associated with the following publications: (PMID: 30989420)